The following is an entry in ClinVar:

NM_206937.2(LIG4):c.2326del (p.Glu776fs)

Gene: LIG4 (DNA ligase 4; minus strand). Cytogenetic location: 13q33.3.
Variant type: Deletion.
Coding change: c.2326del on transcript NM_206937.2 (MANE Select); coding-DNA position 2326, one base deleted (G; older notation c.2326delG).
Protein change: p.Glu776fs; shifts the reading frame from glutamic acid 776.
Molecular consequence: frameshift variant.
Genome position (GRCh38, 1-based): chr13:108,208,943, C deleted on the plus strand (G on the coding strand, the reverse complement: LIG4 is on the minus strand); the first of 2 consecutive C bases (chr13:108,208,943-108,208,944); deleting either gives the same sequence. VCF-style (leftmost placement, unchanged base first): chr13-108208942-TC-T. GRCh37 (hg19) VCF-style: chr13-108861290-TC-T.
Other names: c.2326del, p.Glu776fs (NM_001098268.2, NM_001352598.2, NM_001352599.2 and 6 more transcripts); c.2125del, p.Glu709fs (NM_001330595.2); c.2362del, p.Glu788fs (NM_001352604.2); short protein forms E709fs, E776fs, E788fs.
Identifiers: ClinVar variation 2903860 (VCV002903860.3), dbSNP rs757994549, ClinGen allele CA7043523.

ClinVar aggregate classification (germline): Pathogenic (1 of 4 stars; one submission).

Conditions:
DNA ligase IV deficiency. Identifiers: Orphanet 99812, MedGen C1847827, MONDO:0011686, OMIM 606593.

Submission:

Labcorp Genetics (formerly Invitae), Labcorp
Classification: Pathogenic for DNA ligase IV deficiency. Last evaluated: 2023-05-22. Review status: criteria provided, single submitter. Criteria: Invitae Variant Classification Sherloc (09022015). Collection method: clinical testing. Allele origin: germline.
Comment: For these reasons, this variant has been classified as Pathogenic. This variant disrupts a region of the LIG4 protein in which other variant(s) (p.Arg814*) have been determined to be pathogenic (PMID: 27063650). This suggests that this is a clinically significant region of the protein, and that variants that disrupt it are likely to be disease-causing. This variant has not been reported in the literature in individuals affected with LIG4-related conditions. This variant is present in population databases (rs757994549, gnomAD 0.003%). This sequence change creates a premature translational stop signal (p.Glu776Lysfs*20) in the LIG4 gene. While this is not anticipated to result in nonsense mediated decay, it is expected to disrupt the last 136 amino acid(s) of the LIG4 protein.

Literature cited by the submitters: PubMed 27063650.